The following is an entry in ClinVar:

ClinVar aggregate classification (germline): Uncertain significance (1 of 4 stars; one submission).

Conditions:
Neurodevelopmental disorder with hypotonia, impaired language, and dysmorphic features. Also called: Intellectual disability, autosomal dominant 40. Identifiers: Orphanet 692193, MedGen C5676894, MONDO:0014699, OMIM 616579.

Allele frequency attached by ClinVar (database versions not stated): gnomAD exomes below 0.00001 and 0.00002; TOPMed below 0.00001.
gnomAD v4.1: 24 of 1,614,028 alleles (0.0015%); highest among the groups gnomAD compares: Non-Finnish European, 0.0019%; no homozygotes.

Submission:

Baylor Genetics
Classification: Uncertain significance for Neurodevelopmental disorder with hypotonia, impaired language, and dysmorphic features. Last evaluated: 2018-02-13. Review status: criteria provided, single submitter. Criteria: ACMG Guidelines, 2015. Collection method: clinical testing. Allele origin: maternal. Affected: yes.
Comment: This variant was determined to be of uncertain significance according to ACMG Guidelines, 2015 [PMID:25741868].

NM_032436.4(CHAMP1):c.923C>T (p.Ser308Leu)

Gene: CHAMP1 (chromosome alignment maintaining phosphoprotein 1; plus strand). Cytogenetic location: 13q34.
Variant type: single nucleotide variant.
Coding change: c.923C>T on transcript NM_032436.4 (MANE Select); coding-DNA position 923, C replaced by T.
Protein change: p.Ser308Leu; replaces serine 308 with leucine.
Molecular consequence: missense variant.
Genome position (GRCh38, 1-based): chr13:114,324,765, C>T. VCF-style: chr13-114324765-C-T. GRCh37 (hg19) VCF-style: chr13-115090240-C-T.
Other names: c.923C>T, p.Ser308Leu (NM_001164144.3, NM_001164145.3); short protein forms S308L.
Identifiers: ClinVar variation 1031897 (VCV001031897.1), dbSNP rs1555379590, ClinGen allele CA388847408.